The following is an entry in ClinVar:

ClinVar aggregate classification (germline): Uncertain significance. Review status: criteria provided, multiple submitters, no conflicts (2 of 4 stars). 2 submissions from 2 submitters: Uncertain significance (2). Last evaluated 2025-10-05.

Conditions:
Inborn genetic diseases. Identifiers: MedGen C0950123, MeSH D030342.
Acute myeloid leukemia (AML). Also called: Acute myeloid leukemia, adult; AML adult; Acute non-lymphocytic leukemia; Acute granulocytic leukemia; Leukemia, acute myeloid, somatic; Leukemia, acute myelogenous, somatic. Identifiers: Orphanet 519, MedGen C0023467, MeSH D015470, MONDO:0018874, OMIM 601626, HP:0004808. Disease mechanism: Constitutively activated FLT3.

Allele frequency attached by ClinVar (database versions not stated): gnomAD exomes below 0.00001; TOPMed below 0.00001; gnomAD 0.00001.
gnomAD v4.1: 6 of 1,480,526 alleles (0.00041%); highest among the groups gnomAD compares: Non-Finnish European, 0.00054%; no homozygotes.

Submissions (2):

Ambry Genetics
Classification: Uncertain significance for Inborn genetic diseases. Last evaluated: 2025-10-05. Review status: criteria provided, single submitter. Criteria: Ambry Variant Classification Scheme 2023. Collection method: clinical testing. Allele origin: germline.
Comment: The p.A252S variant (also known as c.754G>T), located in coding exon 1 of the CEBPA gene, results from a G to T substitution at nucleotide position 754. The alanine at codon 252 is replaced by serine, an amino acid with similar properties. This amino acid position is conserved. In addition, this alteration is predicted to be tolerated by in silico analysis. Based on the available evidence, the clinical significance of this variant remains unclear.

Labcorp Genetics (formerly Invitae), Labcorp
Classification: Uncertain significance for Acute myeloid leukemia. Last evaluated: 2023-08-28. Review status: criteria provided, single submitter. Criteria: Invitae Variant Classification Sherloc (09022015). Collection method: clinical testing. Allele origin: germline.
Comment: This variant has not been reported in the literature in individuals affected with CEBPA-related conditions. In summary, the available evidence is currently insufficient to determine the role of this variant in disease. Therefore, it has been classified as a Variant of Uncertain Significance. Algorithms developed to predict the effect of missense changes on protein structure and function output the following: SIFT: "Not Available"; PolyPhen-2: "Benign"; Align-GVGD: "Not Available". The serine amino acid residue is found in multiple mammalian species, which suggests that this missense change does not adversely affect protein function. ClinVar contains an entry for this variant (Variation ID: 21404). This variant is present in population databases (rs1049967, gnomAD 0.007%). This sequence change replaces alanine, which is neutral and non-polar, with serine, which is neutral and polar, at codon 252 of the CEBPA protein (p.Ala252Ser).

NM_004364.5(CEBPA):c.754G>T (p.Ala252Ser)

Gene: CEBPA (CCAAT enhancer binding protein alpha; minus strand). Cytogenetic location: 19q13.11.
Variant type: single nucleotide variant.
Coding change: c.754G>T on transcript NM_004364.5 (MANE Select); coding-DNA position 754, G replaced by T.
Protein change: p.Ala252Ser; replaces alanine 252 with serine.
Molecular consequence: missense variant.
Genome position (GRCh38, 1-based): chr19:33,301,661, C>A on the plus strand (G>T on the coding strand, the complement: CEBPA is on the minus strand). VCF-style: chr19-33301661-C-A. GRCh37 (hg19) VCF-style: chr19-33792567-C-A.
Other names: c.397G>T, p.Ala133Ser (NM_001285829.2); c.859G>T, p.Ala287Ser (NM_001287424.2); c.712G>T, p.Ala238Ser (NM_001287435.2); short protein forms A252S, A238S, A133S, A287S.
Identifiers: ClinVar variation 21404 (VCV000021404.13), dbSNP rs1049967, ClinGen allele CA342032.